The following is an entry in ClinVar:

NM_005359.6(SMAD4):c.330A>G (p.Lys110=)

Gene: SMAD4 (SMAD family member 4; plus strand). Cytogenetic location: 18q21.2.
Variant type: single nucleotide variant.
Coding change: c.330A>G on transcript NM_005359.6 (MANE Select); coding-DNA position 330, A replaced by G.
Protein change: p.Lys110=; no amino-acid change (lysine 110 retained).
Molecular consequence: synonymous variant.
Genome position (GRCh38, 1-based): chr18:51,048,766, A>G. VCF-style: chr18-51048766-A-G. GRCh37 (hg19) VCF-style: chr18-48575136-A-G.
Identifiers: ClinVar variation 924338 (VCV000924338.17), dbSNP rs1909619980, ClinGen allele CA503873586.

ClinVar aggregate classification (germline): Benign/Likely benign. Review status: criteria provided, multiple submitters, no conflicts (2 of 4 stars). 5 submissions from 5 submitters: Benign (1); Likely benign (3). 1 of the submissions does not count toward it. Last evaluated 2025-07-02.

Conditions:
Juvenile polyposis syndrome (JPS). Identifiers: Orphanet 2929, MedGen C0345893, MONDO:0017380, OMIM 174900.
Hereditary cancer-predisposing syndrome. Also called: Neoplastic Syndromes, Hereditary; Hereditary neoplastic syndrome; Tumor predisposition; Hereditary Cancer Syndrome. Identifiers: Orphanet 140162, MedGen C0027672, MeSH D009386, MONDO:0015356.
SMAD4-related disorder. Also called: SMAD4-related condition; SMAD4-Related disorders.
Familial thoracic aortic aneurysm and aortic dissection (TAAD). Also called: Thoracic aortic aneurysms and dissections. Identifiers: Orphanet 91387, MedGen C4707243, MONDO:0019625.
Juvenile polyposis/hereditary hemorrhagic telangiectasia syndrome (JPHT). Also called: POLYPOSIS, GENERALIZED JUVENILE, WITH PULMONARY ARTERIOVENOUS MALFORMATION; TELANGIECTASIA, HEREDITARY HEMORRHAGIC, WITH JUVENILE POLYPOSIS COLI; Juvenile Polyposis Syndrome / Hereditary Hemorrhagic Telangiectasia (JPS/HHT); JP/HHT SYNDROME; JUVENILE POLYPOSIS WITH HEREDITARY HEMORRHAGIC TELANGIECTASIA. Identifiers: Orphanet 2929, MedGen C1832942, MONDO:0008278, OMIM 175050.

Submissions (5):

Labcorp Genetics (formerly Invitae), Labcorp
Classification: Likely benign for Juvenile polyposis syndrome. Last evaluated: 2025-07-02. Review status: criteria provided, single submitter. Criteria: Invitae Variant Classification Sherloc (09022015). Collection method: clinical testing. Allele origin: germline.

Myriad Genetics, Inc.
Classification: Benign for Juvenile polyposis/hereditary hemorrhagic telangiectasia syndrome. Last evaluated: 2025-03-18. Review status: criteria provided, single submitter. Criteria: Myriad Autosomal Dominant, Autosomal Recessive and X-Linked Classification Criteria (2023). Collection method: clinical testing. Allele origin: unknown.
Comment: This variant is considered benign. This variant is a silent/synonymous amino acid change and it is not expected to impact splicing.

Ambry Genetics
Classification: Likely benign for Hereditary cancer-predisposing syndrome; Familial thoracic aortic aneurysm and aortic dissection. Last evaluated: 2020-01-02. Review status: criteria provided, single submitter. Criteria: Ambry Variant Classification Scheme 2023. Collection method: clinical testing. Allele origin: germline.

Color Diagnostics, LLC DBA Color Health
Classification: Likely benign for Hereditary cancer-predisposing syndrome. Last evaluated: 2019-06-25. Review status: criteria provided, single submitter. Criteria: ACMG Guidelines, 2015. Collection method: clinical testing. Allele origin: germline.

PreventionGenetics, part of Exact Sciences
Classification: Likely benign for SMAD4-related condition. Last evaluated: 2022-07-14. Review status: no assertion criteria provided. Collection method: clinical testing. Allele origin: germline. Not counted in ClinVar's aggregate classification.
Comment: This variant is classified as likely benign based on ACMG/AMP sequence variant interpretation guidelines (Richards et al. 2015 PMID: 25741868, with internal and published modifications).